The following is an entry in ClinVar:

NM_000143.4(FH):c.214A>G (p.Thr72Ala)

Gene: FH (fumarate hydratase; minus strand). Cytogenetic location: 1q43.
Variant type: single nucleotide variant.
Coding change: c.214A>G on transcript NM_000143.4 (MANE Select); coding-DNA position 214, A replaced by G.
Protein change: p.Thr72Ala; replaces threonine 72 with alanine.
Molecular consequence: missense variant.
Genome position (GRCh38, 1-based): chr1:241,517,235, T>C on the plus strand (A>G on the coding strand, the complement: FH is on the minus strand). VCF-style: chr1-241517235-T-C. GRCh37 (hg19) VCF-style: chr1-241680535-T-C.
Other names: short protein forms T72A.
Identifiers: ClinVar variation 3278725 (VCV003278725.1).

ClinVar aggregate classification (germline): Uncertain significance (1 of 4 stars; one submission).

Conditions:
Hereditary cancer-predisposing syndrome. Also called: Tumor predisposition; Hereditary Cancer Syndrome; Hereditary neoplastic syndrome; Neoplastic Syndromes, Hereditary. Identifiers: Orphanet 140162, MedGen C0027672, MeSH D009386, MONDO:0015356.

Submission:

Ambry Genetics
Classification: Uncertain significance for Hereditary cancer-predisposing syndrome. Last evaluated: 2024-04-03. Review status: criteria provided, single submitter. Criteria: Ambry Variant Classification Scheme 2023. Collection method: clinical testing. Allele origin: germline.
Comment: The p.T72A variant (also known as c.214A>G), located in coding exon 2 of the FH gene, results from an A to G substitution at nucleotide position 214. The threonine at codon 72 is replaced by alanine, an amino acid with similar properties. This amino acid position is highly conserved in available vertebrate species. In addition, this alteration is predicted to be deleterious by in silico analysis. Based on the available evidence, the clinical significance of this variant remains unclear.